The following is an entry in ClinVar:

ClinVar aggregate classification (germline): Uncertain significance (1 of 4 stars; one submission).

Conditions:
Hereditary cancer-predisposing syndrome. Also called: Neoplastic Syndromes, Hereditary; Tumor predisposition; Hereditary Cancer Syndrome; Hereditary neoplastic syndrome. Identifiers: Orphanet 140162, MedGen C0027672, MeSH D009386, MONDO:0015356.

Submission:

Color Diagnostics, LLC DBA Color Health
Classification: Uncertain significance for Hereditary cancer-predisposing syndrome. Last evaluated: 2023-12-04. Review status: criteria provided, single submitter. Criteria: ACMG Guidelines, 2015. Collection method: clinical testing. Allele origin: germline.
Comment: This missense variant replaces methionine with threonine at codon 624 of the ATM protein. Computational prediction suggests that this variant may not impact protein structure and function (internally defined REVEL score threshold <= 0.5, PMID: 27666373). To our knowledge, functional studies have not been reported for this variant. This variant has not been reported in individuals affected with ATM-related disorders in the literature. This variant has not been identified in the general population by the Genome Aggregation Database (gnomAD). The available evidence is insufficient to determine the role of this variant in disease conclusively. Therefore, this variant is classified as a Variant of Uncertain Significance.

NM_000051.4(ATM):c.1871T>C (p.Met624Thr)

Gene: ATM (ATM serine/threonine kinase; plus strand). Cytogenetic location: 11q22.3.
Variant type: single nucleotide variant.
Coding change: c.1871T>C on transcript NM_000051.4 (MANE Select); coding-DNA position 1871, T replaced by C.
Protein change: p.Met624Thr; replaces methionine 624 with threonine.
Molecular consequence: missense variant.
Genome position (GRCh38, 1-based): chr11:108,252,885, T>C. VCF-style: chr11-108252885-T-C. GRCh37 (hg19) VCF-style: chr11-108123612-T-C.
Other names: c.1871T>C, p.Met624Thr (NM_001351834.2); short protein forms M624T.
Identifiers: ClinVar variation 925315 (VCV000925315.4), dbSNP rs2080231163, ClinGen allele CA382535968.